The following is an entry in ClinVar:

NM_004656.4(BAP1):c.1202A>G (p.Tyr401Cys)

Gene: BAP1 (BRCA1 associated deubiquitinase 1; minus strand). Cytogenetic location: 3p21.1.
Variant type: single nucleotide variant.
Coding change: c.1202A>G on transcript NM_004656.4 (MANE Select); coding-DNA position 1202, A replaced by G.
Protein change: p.Tyr401Cys; replaces tyrosine 401 with cysteine.
Molecular consequence: missense variant.
Genome position (GRCh38, 1-based): chr3:52,404,501, T>C on the plus strand (A>G on the coding strand, the complement: BAP1 is on the minus strand). VCF-style: chr3-52404501-T-C. GRCh37 (hg19) VCF-style: chr3-52438517-T-C.
Other names: short protein forms Y401C.
Identifiers: ClinVar variation 539907 (VCV000539907.14), dbSNP rs1553645130, ClinGen allele CA353102997.

ClinVar aggregate classification (germline): Uncertain significance. Review status: criteria provided, multiple submitters, no conflicts (2 of 4 stars). 6 submissions from 6 submitters: Uncertain significance (6). Last evaluated 2025-09-27.

Conditions:
BAP1-related tumor predisposition syndrome (TPDS1). Also called: BAP1 tumor predisposition syndrome; Tumor susceptibility linked to germline BAP1 mutations; COMMON Syndrome; TUMOR PREDISPOSITION SYNDROME 1. Identifiers: Orphanet 289539, MedGen C3280492, MONDO:0013692, OMIM 614327.
Hereditary cancer-predisposing syndrome. Also called: Hereditary neoplastic syndrome; Neoplastic Syndromes, Hereditary; Hereditary Cancer Syndrome; Tumor predisposition. Identifiers: Orphanet 140162, MedGen C0027672, MeSH D009386, MONDO:0015356.

Allele frequency attached by ClinVar (database versions not stated): gnomAD exomes below 0.00001.
gnomAD v4.1: 3 of 1,614,148 alleles (0.00019%); highest among the groups gnomAD compares: Non-Finnish European, 0.00017%; no homozygotes.

Submissions (7):

Quest Diagnostics Nichols Institute San Juan Capistrano
Classification: Uncertain significance. Last evaluated: 2025-09-27. Review status: criteria provided, single submitter. Criteria: Quest Diagnostics criteria. Collection method: clinical testing. Allele origin: unknown.
Comment: The BAP1 c.1202A>G (p.Tyr401Cys) variant has not been reported in individuals with BAP1-related conditions in the published literature. This variant has not been reported in large, multi-ethnic general populations (Genome Aggregation Database). Analysis of this variant using bioinformatics tools for the prediction of the effect of amino acid changes on protein structure and function yielded conflicting predictions that this variant is benign or damaging. Based on the available information, we are unable to determine the clinical significance of this variant.

Color Diagnostics, LLC DBA Color Health
Classification: Uncertain significance for Hereditary cancer-predisposing syndrome. Last evaluated: 2025-07-28. Review status: criteria provided, single submitter. Criteria: ACMG Guidelines, 2015. Collection method: clinical testing. Allele origin: germline.
Comment: This missense variant replaces tyrosine with cysteine at codon 401 of the BAP1 protein. Computational prediction suggests that this variant may not impact protein structure and function. To our knowledge, functional studies have not been reported for this variant. This variant has not been reported in individuals affected with BAP1-related disorders in the literature. This variant has not been identified in the general population by the Genome Aggregation Database (gnomAD). The available evidence is insufficient to determine the role of this variant in disease conclusively. Therefore, this variant is classified as a Variant of Uncertain Significance.

Labcorp Genetics (formerly Invitae), Labcorp
Classification: Uncertain significance for BAP1-related tumor predisposition syndrome. Last evaluated: 2025-06-29. Review status: criteria provided, single submitter. Criteria: Invitae Variant Classification Sherloc (09022015). Collection method: clinical testing. Allele origin: germline.
Comment: This sequence change replaces tyrosine, which is neutral and polar, with cysteine, which is neutral and slightly polar, at codon 401 of the BAP1 protein (p.Tyr401Cys). This variant is not present in population databases (gnomAD no frequency). This variant has not been reported in the literature in individuals affected with BAP1-related conditions. ClinVar contains an entry for this variant (Variation ID: 539907). Invitae Evidence Modeling of protein sequence and biophysical properties (such as structural, functional, and spatial information, amino acid conservation, physicochemical variation, residue mobility, and thermodynamic stability) indicates that this missense variant is not expected to disrupt BAP1 protein function with a negative predictive value of 80%. In summary, the available evidence is currently insufficient to determine the role of this variant in disease. Therefore, it has been classified as a Variant of Uncertain Significance.

Ambry Genetics
Classification: Uncertain significance for Hereditary cancer-predisposing syndrome. Last evaluated: 2024-12-31. Review status: criteria provided, single submitter. Criteria: Ambry Variant Classification Scheme 2023. Collection method: clinical testing. Allele origin: germline.
Comment: The p.Y401C variant (also known as c.1202A>G), located in coding exon 12 of the BAP1 gene, results from an A to G substitution at nucleotide position 1202. The tyrosine at codon 401 is replaced by cysteine, an amino acid with highly dissimilar properties. This amino acid position is well conserved in available vertebrate species. In addition, this alteration is predicted to be tolerated by in silico analysis. Based on the available evidence, the clinical significance of this variant remains unclear.

Baylor Genetics
Classification: Uncertain significance for BAP1-related tumor predisposition syndrome. Last evaluated: 2023-12-25. Review status: criteria provided, single submitter. Criteria: ACMG Guidelines, 2015. Collection method: clinical testing. Allele origin: unknown.

GeneDx
Classification: Uncertain significance. Last evaluated: 2019-08-29. Review status: criteria provided, single submitter. Criteria: GeneDx Variant Classification Process June 2021. Collection method: clinical testing. Allele origin: germline. Affected: yes.
Comment: Not observed in large population cohorts (Lek 2016); In silico analysis, which includes protein predictors and evolutionary conservation, supports that this variant does not alter protein structure/function; Has not been previously published as pathogenic or benign to our knowledge

Dr. Peter K. Rogan Lab, Western University
No classification provided (evidence only). Condition: Gastric cancer. Review status: no classification provided. Collection method: in vitro. Allele origin: not applicable. Functional consequence: retained intron. Not counted in ClinVar's aggregate classification.